The following is an entry in ClinVar:

ClinVar aggregate classification (germline): Likely benign (1 of 4 stars; one submission).

gnomAD v4.1: 1 of 1,611,590 alleles (0.000062%); highest among the groups gnomAD compares: Non-Finnish European, 0.000085%; no homozygotes.

Submission:

Molecular Diagnostic Laboratory for Inherited Cardiovascular Disease, Montreal Heart Institute
Classification: Likely benign. Last evaluated: 2026-09-21. Review status: criteria provided, single submitter. Criteria: ACMG Guidelines, 2015. Collection method: clinical testing. Allele origin: germline. Affected: no.
Comment: BP7

NM_001267550.2(TTN):c.53832T>C (p.Gly17944=)

Genes: TTN (titin; minus strand), TTN-AS1 (TTN antisense RNA 1; plus strand). Cytogenetic location: 2q31.2.
Variant type: single nucleotide variant.
Coding change: c.53832T>C on transcript NM_001267550.2 (MANE Select); coding-DNA position 53832, T replaced by C.
Protein change: p.Gly17944=; no amino-acid change (glycine 17944 retained).
Molecular consequence: synonymous variant.
Genome position (GRCh38, 1-based): chr2:178,605,463, A>G on the plus strand (T>C on the coding strand, the complement: TTN is on the minus strand). VCF-style: chr2-178605463-A-G. GRCh37 (hg19) VCF-style: chr2-179470190-A-G.
Other names: c.48909T>C, p.Gly16303= (NM_001256850.1); c.26637T>C, p.Gly8879= (NM_003319.4); c.46128T>C, p.Gly15376= (NM_133378.4); c.27012T>C, p.Gly9004= (NM_133432.3); c.27213T>C, p.Gly9071= (NM_133437.4).
Identifiers: ClinVar variation 5037902 (VCV005037902.1).